The following is an entry in ClinVar:

NM_003072.5(SMARCA4):c.1971T>C (p.Ser657=)

Gene: SMARCA4 (SWI/SNF related BAF chromatin remodeling complex subunit ATPase 4; plus strand). Cytogenetic location: 19p13.2.
Variant type: single nucleotide variant.
Coding change: c.1971T>C on transcript NM_003072.5 (MANE Select); coding-DNA position 1971, T replaced by C.
Protein change: p.Ser657=; no amino-acid change (serine 657 retained).
Molecular consequence: synonymous variant. On other transcripts: non-coding transcript variant (1).
Genome position (GRCh38, 1-based): chr19:11,003,367, T>C. VCF-style: chr19-11003367-T-C. GRCh37 (hg19) VCF-style: chr19-11114043-T-C.
Other names: c.1971T>C, p.Ser657= (NM_001128844.3, NM_001128845.2, NM_001128846.2 and 6 more transcripts).
Identifiers: ClinVar variation 1783637 (VCV001783637.3), dbSNP rs2514466647, ClinGen allele CA505486464.

ClinVar aggregate classification (germline): Benign/Likely benign. Review status: criteria provided, multiple submitters, no conflicts (2 of 4 stars). 2 submissions from 2 submitters: Benign (1); Likely benign (1). Last evaluated 2026-07-10.

Conditions:
Hereditary cancer-predisposing syndrome. Also called: Hereditary neoplastic syndrome; Neoplastic Syndromes, Hereditary; Tumor predisposition; Hereditary Cancer Syndrome. Identifiers: Orphanet 140162, MedGen C0027672, MeSH D009386, MONDO:0015356.
Rhabdoid tumor predisposition syndrome 2 (RTPS2). Identifiers: Orphanet 231108, Orphanet 69077, MedGen C2750074, MONDO:0013224, OMIM 613325.

Submissions (2):

Myriad Genetics, Inc.
Classification: Benign for Rhabdoid tumor predisposition syndrome 2. Last evaluated: 2026-07-10. Review status: criteria provided, single submitter. Criteria: Myriad Autosomal Dominant, Autosomal Recessive and X-Linked Classification Criteria (2023). Collection method: clinical testing. Allele origin: unknown.
Comment: This variant is considered benign. This variant is a silent/synonymous amino acid change and it is not expected to impact splicing.

Ambry Genetics
Classification: Likely benign for Hereditary cancer-predisposing syndrome. Last evaluated: 2021-01-04. Review status: criteria provided, single submitter. Criteria: Ambry Variant Classification Scheme 2023. Collection method: clinical testing. Allele origin: germline.